The following is an entry in ClinVar:

NM_000350.3(ABCA4):c.1677G>A (p.Trp559Ter)

Gene: ABCA4 (ATP binding cassette subfamily A member 4; minus strand). Cytogenetic location: 1p22.1.
Variant type: single nucleotide variant.
Coding change: c.1677G>A on transcript NM_000350.3 (MANE Select); coding-DNA position 1677, G replaced by A.
Protein change: p.Trp559Ter; replaces tryptophan 559 with a stop codon.
Molecular consequence: nonsense.
Genome position (GRCh38, 1-based): chr1:94,063,195, C>T on the plus strand (G>A on the coding strand, the complement: ABCA4 is on the minus strand). VCF-style: chr1-94063195-C-T. GRCh37 (hg19) VCF-style: chr1-94528751-C-T.
Other names: c.1677G>A, p.Trp559Ter (NM_001425324.1); short protein forms W559*.
Identifiers: ClinVar variation 4292438 (VCV004292438.1).

ClinVar aggregate classification (germline): Pathogenic (1 of 4 stars; one submission).

Conditions:
Severe early-childhood-onset retinal dystrophy (STGD1). Also called: Stargardt macular dystrophy; Juvenile onset macular degeneration; Stargardt disease 1; MACULAR DYSTROPHY WITH FLECKS, TYPE 1; STGD. Identifiers: Orphanet 364055, Orphanet 827, MedGen C1855465, MeSH D000080362, MONDO:0009549, OMIM 248200.

Submission:

3billion
Classification: Pathogenic for Severe early-childhood-onset retinal dystrophy. Last evaluated: 2025-01-20. Review status: criteria provided, single submitter. Criteria: ACMG Guidelines, 2015. Collection method: clinical testing. Allele origin: germline. Affected: yes.
Comment: The variant is not observed in the gnomAD v4.1.0 dataset. Predicted Consequence/Location: Stop-gained (nonsense): predicted to result in a loss or disruption of normal protein function through nonsense-mediated decay (NMD) or protein truncation. Multiple pathogenic variants are reported downstream of the variant. The variant has been reported to be associated with ABCA4-related disorder (PMID: 32307445). Therefore, this variant is classified as Pathogenic according to the recommendation of ACMG/AMP guideline.

Literature cited by the submitters: PubMed 32307445.